The following is an entry in ClinVar:

NM_006218.4(PIK3CA):c.1528C>T (p.His510Tyr)

Gene: PIK3CA (phosphatidylinositol-4,5-bisphosphate 3-kinase catalytic subunit alpha; plus strand). Cytogenetic location: 3q26.32.
Variant type: single nucleotide variant.
Coding change: c.1528C>T on transcript NM_006218.4 (MANE Select); coding-DNA position 1528, C replaced by T.
Protein change: p.His510Tyr; replaces histidine 510 with tyrosine.
Molecular consequence: missense variant.
Genome position (GRCh38, 1-based): chr3:179,210,554, C>T. VCF-style: chr3-179210554-C-T. GRCh37 (hg19) VCF-style: chr3-178928342-C-T.
Other names: short protein forms H510Y.
Identifiers: ClinVar variation 1774553 (VCV001774553.2), dbSNP rs199747934, ClinGen allele CA355262846.

ClinVar aggregate classification (germline): Uncertain significance (1 of 4 stars; one submission).

Conditions:
Inborn genetic diseases. Identifiers: MedGen C0950123, MeSH D030342.

Submission:

Ambry Genetics
Classification: Uncertain significance for Inborn genetic diseases. Last evaluated: 2021-09-13. Review status: criteria provided, single submitter. Criteria: Ambry Variant Classification Scheme 2023. Collection method: clinical testing. Allele origin: germline.
Comment: The p.H510Y variant (also known as c.1528C>T), located in coding exon 8 of the PIK3CA gene, results from a C to T substitution at nucleotide position 1528. The histidine at codon 510 is replaced by tyrosine, an amino acid with similar properties. This amino acid position is conserved. In addition, this alteration is predicted to be tolerated by in silico analysis. Since supporting evidence is limited at this time, the clinical significance of this alteration remains unclear.